The following is an entry in ClinVar:

ClinVar aggregate classification (germline): Uncertain significance (1 of 4 stars; one submission).

Conditions:
Inborn genetic diseases. Identifiers: MedGen C0950123, MeSH D030342.
Ocular cystinosis. Also called: Non-Nephropathic Cystinosis; Non-Nephropathic (Ocular) Cystinosis. Identifiers: Orphanet 213, Orphanet 411641, MedGen C2931013, MONDO:0009064, OMIM 219750.
Juvenile nephropathic cystinosis. Also called: Intermediate Cystinosis; CYSTINOSIS, LATE-ONSET JUVENILE OR ADOLESCENT NEPHROPATHIC TYPE; Later-Onset (Juvenile) Cystinosis. Identifiers: Orphanet 213, Orphanet 411634, MedGen C0268626, MONDO:0009066, OMIM 219900.

Submission:

Labcorp Genetics (formerly Invitae), Labcorp
Classification: Uncertain significance for Inborn genetic diseases; Ocular cystinosis; Juvenile nephropathic cystinosis. Last evaluated: 2022-06-05. Review status: criteria provided, single submitter. Criteria: Invitae Variant Classification Sherloc (09022015). Collection method: clinical testing. Allele origin: germline.
Comment: In summary, the available evidence is currently insufficient to determine the role of this variant in disease. Therefore, it has been classified as a Variant of Uncertain Significance. This sequence change falls in intron 5 of the CTNS gene. It does not directly change the encoded amino acid sequence of the CTNS protein. It affects a nucleotide within the consensus splice site. This variant is not present in population databases (gnomAD no frequency). This variant has not been reported in the literature in individuals affected with CTNS-related conditions. ClinVar contains an entry for this variant (Variation ID: 1402089). Variants that disrupt the consensus splice site are a relatively common cause of aberrant splicing (PMID: 17576681, 9536098). Algorithms developed to predict the effect of sequence changes on RNA splicing suggest that this variant may disrupt the consensus splice site. This variant disrupts the c.255+3A nucleotide in the CTNS gene. Other variant(s) that disrupt this nucleotide have been determined to be pathogenic (PMID: 12825071). This suggests that this nucleotide is clinically significant, and that variants that disrupt this position are likely to be disease-causing.

Literature cited by the submitters: PubMed 17576681; PubMed 9536098; PubMed 12825071.

NM_004937.3(CTNS):c.225+3A>G

Gene: CTNS (cystinosin, lysosomal cystine transporter; plus strand). Cytogenetic location: 17p13.2.
Variant type: single nucleotide variant.
Coding change: c.225+3A>G on transcript NM_004937.3 (MANE Select); 3 bases into the intron after coding-DNA position 225, A replaced by G.
Molecular consequence: intron variant.
Genome position (GRCh38, 1-based): chr17:3,648,934, A>G. VCF-style: chr17-3648934-A-G. GRCh37 (hg19) VCF-style: chr17-3552228-A-G.
Other names: c.225+3A>G (NM_001031681.3, NM_001374492.1); c.-217+1412A>G (NM_001374493.1, NM_001374496.1); c.-216-6064A>G (NM_001374495.1); c.-217+3A>G (NM_001374494.1).
Identifiers: ClinVar variation 1402089 (VCV001402089.8), dbSNP rs2075909295, ClinGen allele CA2573153070.
Genomic context (GRCh38, chr17:3,648,934, plus strand): 5'-CACTTTTGAAATCACATTTCGTTCCAAAAATATTACTATCCTTGAGCTCCCCGATGAAGT[A>G]AGTAACCAATCTTAACGGATGGGTAGGGAAATGCTAGGTAACAGAACACATTTGAATTAA-3'